The following is an entry in ClinVar:

ClinVar aggregate classification (germline): Likely benign (1 of 4 stars; one submission).

Submission:

CeGaT Center for Human Genetics Tuebingen
Classification: Likely benign. Last evaluated: 2025-06-01. Review status: criteria provided, single submitter. Criteria: CeGaT Center For Human Genetics Tuebingen Variant Classification Criteria Version 2. Collection method: clinical testing. Allele origin: germline. Affected: yes. Observed: 1 variant allele.
Comment: PTPN21: PM2:Supporting, BP4, BP7

NM_007039.4(PTPN21):c.2151G>A (p.Glu717=)

Gene: PTPN21 (protein tyrosine phosphatase non-receptor type 21; minus strand). Cytogenetic location: 14q31.3.
Variant type: single nucleotide variant.
Coding change: c.2151G>A on transcript NM_007039.4 (MANE Select); coding-DNA position 2151, G replaced by A.
Protein change: p.Glu717=; no amino-acid change (glutamic acid 717 retained).
Molecular consequence: synonymous variant.
Genome position (GRCh38, 1-based): chr14:88,479,280, C>T on the plus strand (G>A on the coding strand, the complement: PTPN21 is on the minus strand). VCF-style: chr14-88479280-C-T. GRCh37 (hg19) VCF-style: chr14-88945624-C-T.
Identifiers: ClinVar variation 4085051 (VCV004085051.8).
Genomic context (GRCh38, chr14:88,479,280, plus strand): 5'-GGGCCGAGGCTCGCGCGCACGTGCAGGAGGCGCCCGGGCCCCGCTCTCCTCCTCGAAGTC[C>T]TCGTCCTCCTCCTCCTCGCTGCTGTGGATTAGCATGGTGGCGTCCGACAGGGACTTCTTA-3'
Protein context (NP_008970.2, residues 707-727): LIHSSEEEED[Glu717=]DFEEESGARA